The following is an entry in ClinVar:

ClinVar aggregate classification (germline): Pathogenic (1 of 4 stars; one submission).

Conditions:
Hereditary insensitivity to pain with anhidrosis (CIPA). Also called: FAMILIAL DYSAUTONOMIA, TYPE II; hereditary sensory and autonomic neuropathy type 4; NEUROPATHY, CONGENITAL SENSORY, WITH ANHIDROSIS; NTRK1 Congenital Insensitivity to Pain with Anhidrosis; INSENSITIVITY TO PAIN, CONGENITAL, WITH ANHIDROSIS; HSAN Type IV. Identifiers: Orphanet 642, MedGen C0020074, MONDO:0009746, OMIM 256800.

Submission:

Labcorp Genetics (formerly Invitae), Labcorp
Classification: Pathogenic for Hereditary insensitivity to pain with anhidrosis. Last evaluated: 2021-12-27. Review status: criteria provided, single submitter. Criteria: Invitae Variant Classification Sherloc (09022015). Collection method: clinical testing. Allele origin: germline.
Comment: This variant has not been reported in the literature in individuals affected with NTRK1-related conditions. This sequence change creates a premature translational stop signal (p.Glu575*) in the NTRK1 gene. It is expected to result in an absent or disrupted protein product. Loss-of-function variants in NTRK1 are known to be pathogenic (PMID: 10982191). This variant is not present in population databases (gnomAD no frequency). For these reasons, this variant has been classified as Pathogenic.

Literature cited by the submitters: PubMed 10982191.

NM_002529.4(NTRK1):c.1741G>T (p.Glu581Ter)

Gene: NTRK1 (neurotrophic receptor tyrosine kinase 1; plus strand). Cytogenetic location: 1q23.1.
Variant type: single nucleotide variant.
Coding change: c.1741G>T on transcript NM_002529.4 (MANE Select); coding-DNA position 1741, G replaced by T.
Protein change: p.Glu581Ter; replaces glutamic acid 581 with a stop codon.
Molecular consequence: nonsense.
Genome position (GRCh38, 1-based): chr1:156,876,508, G>T. VCF-style: chr1-156876508-G-T. GRCh37 (hg19) VCF-style: chr1-156846300-G-T.
Other names: c.1741G>T, p.Glu581Ter (NM_001007204.1); c.1633G>T, p.Glu545Ter (NM_001007792.1); c.1723G>T, p.Glu575Ter (NM_001012331.2); short protein forms E575*, E545*, E581*.
Identifiers: ClinVar variation 2062703 (VCV002062703.4), dbSNP rs150579345, ClinGen allele CA342938611.
Genomic context (GRCh38, chr1:156,876,508, plus strand): 5'-GCTGAGCTGCTCACCATGCTGCAGCACCAGCACATCGTGCGCTTCTTCGGCGTCTGCACC[G>T]AGGGCCGCCCCCTGCTCATGGTCTTTGAGTATATGCGGCACGGGGACCTCAACCGCTTCC-3'